The following is an entry in ClinVar:

ClinVar aggregate classification (germline): Uncertain significance (1 of 4 stars; one submission).

Conditions:
MORC2-related disorder. Also called: MORC2-related condition.

Submission:

PreventionGenetics, part of Exact Sciences
Classification: Uncertain significance for MORC2-related condition. Last evaluated: 2026-09-16. Review status: criteria provided, single submitter. Criteria: ACMG Guidelines, 2015. Collection method: clinical testing. Allele origin: germline.
Comment: The MORC2 c.2240_2241delinsTT variant is predicted to result in an in-frame deletion and insertion. To our knowledge, this variant has not been reported in the literature or in a large population database (gnomAD), indicating this variant is rare. At this time, the clinical significance of this variant is uncertain due to the absence of conclusive functional and genetic evidence.

NM_001303256.3(MORC2):c.2240_2241inv (p.Glu747Val)

Gene: MORC2 (MORC family CW-type zinc finger 2; minus strand). Cytogenetic location: 22q12.2.
Variant type: Inversion.
Coding change: c.2240_2241inv on transcript NM_001303256.3 (MANE Select).
Protein change: p.Glu747Val; replaces glutamic acid 747 with valine.
Molecular consequence: missense variant.
Genome position: GRCh38 VCF-style: chr22-30934144-TT-AA. GRCh37 (hg19) VCF-style: chr22-31330131-TT-AA.
Other names: c.2240_2241inv, p.Glu747Val (NM_001303257.2); c.2054_2055inv, p.Glu685Val (NM_014941.3); short protein forms E685V, E747V.
Identifiers: ClinVar variation 2632623 (VCV002632623.2), ClinGen allele CA2695200105.